The following is an entry in ClinVar:

NM_020919.4(ALS2):c.2929A>G (p.Thr977Ala)

Gene: ALS2 (alsin Rho guanine nucleotide exchange factor ALS2; minus strand). Cytogenetic location: 2q33.1.
Variant type: single nucleotide variant.
Coding change: c.2929A>G on transcript NM_020919.4 (MANE Select); coding-DNA position 2929, A replaced by G.
Protein change: p.Thr977Ala; replaces threonine 977 with alanine.
Molecular consequence: missense variant.
Genome position (GRCh38, 1-based): chr2:201,727,262, T>C on the plus strand (A>G on the coding strand, the complement: ALS2 is on the minus strand). VCF-style: chr2-201727262-T-C. GRCh37 (hg19) VCF-style: chr2-202591985-T-C.
Other names: short protein forms T977A.
Identifiers: ClinVar variation 1697204 (VCV001697204.2), dbSNP rs2106008063, ClinGen allele CA350321590.

ClinVar aggregate classification (germline): Uncertain significance (1 of 4 stars; one submission).

Allele frequency attached by ClinVar (database versions not stated): gnomAD exomes below 0.00001.
gnomAD v4.1: 1 of 1,613,806 alleles (0.000062%); highest among the groups gnomAD compares: Non-Finnish European, 0.000085%; no homozygotes.

Submission:

GeneDx
Classification: Uncertain significance. Last evaluated: 2022-01-17. Review status: criteria provided, single submitter. Criteria: GeneDx Variant Classification Process June 2021. Collection method: clinical testing. Allele origin: germline. Affected: yes.
Comment: Not observed at significant frequency in large population cohorts (gnomAD); In silico analysis supports that this missense variant does not alter protein structure/function; Has not been previously published as pathogenic or benign to our knowledge